The following is an entry in ClinVar:

ClinVar aggregate classification (germline): Uncertain significance. Review status: criteria provided, multiple submitters, no conflicts (2 of 4 stars). 2 submissions from 2 submitters: Uncertain significance (2). Last evaluated 2022-12-06.

Conditions:
Inborn genetic diseases. Identifiers: MedGen C0950123, MeSH D030342.
Peroxisome biogenesis disorder 2B (PBD2B). Identifiers: Orphanet 44, MedGen C3550234, MONDO:0008736, OMIM 202370.

Allele frequency attached by ClinVar (database versions not stated): gnomAD exomes below 0.00001; TOPMed 0.00002.
gnomAD v4.1: 2 of 1,614,124 alleles (0.00012%); highest among the groups gnomAD compares: Non-Finnish European, 0.00017%; no homozygotes.

Submissions (2):

Ambry Genetics
Classification: Uncertain significance for Inborn genetic diseases. Last evaluated: 2022-12-06. Review status: criteria provided, single submitter. Criteria: Ambry Variant Classification Scheme 2023. Collection method: clinical testing. Allele origin: germline.

Labcorp Genetics (formerly Invitae), Labcorp
Classification: Uncertain significance for Peroxisome biogenesis disorder 2B. Last evaluated: 2021-08-30. Review status: criteria provided, single submitter. Criteria: Invitae Variant Classification Sherloc (09022015). Collection method: clinical testing. Allele origin: germline.
Comment: This sequence change replaces arginine with glutamine at codon 237 of the PEX5 protein (p.Arg237Gln). The arginine residue is weakly conserved and there is a small physicochemical difference between arginine and glutamine. This variant is not present in population databases (ExAC no frequency). This variant has not been reported in the literature in individuals affected with PEX5-related conditions. Algorithms developed to predict the effect of missense changes on protein structure and function output the following: SIFT: "Tolerated"; PolyPhen-2: "Benign"; Align-GVGD: "Class C0". The glutamine amino acid residue is found in multiple mammalian species, which suggests that this missense change does not adversely affect protein function. In summary, the available evidence is currently insufficient to determine the role of this variant in disease. Therefore, it has been classified as a Variant of Uncertain Significance.

NM_001351132.2(PEX5):c.710G>A (p.Arg237Gln)

Gene: PEX5 (peroxisomal biogenesis factor 5; plus strand). Cytogenetic location: 12p13.31.
Variant type: single nucleotide variant.
Coding change: c.710G>A on transcript NM_001351132.2 (MANE Select); coding-DNA position 710, G replaced by A.
Protein change: p.Arg237Gln; replaces arginine 237 with glutamine.
Molecular consequence: missense variant. On other transcripts: intron variant (15).
Genome position (GRCh38, 1-based): chr12:7,202,308, G>A. VCF-style: chr12-7202308-G-A. GRCh37 (hg19) VCF-style: chr12-7354904-G-A.
Other names: c.710G>A, p.Arg237Gln (NM_000319.5, NM_001131025.2, NM_001131026.2 and 6 more transcripts); c.755G>A, p.Arg252Gln (NM_001131023.2); c.643-304G>A (NM_001351124.3, NM_001351126.2, NM_001374646.1 and 10 more transcripts); c.688-304G>A (NM_001351135.3, NM_001351138.2); short protein forms R252Q, R237Q.
Identifiers: ClinVar variation 836306 (VCV000836306.9), dbSNP rs1011369978, ClinGen allele CA232471304.